The following is an entry in ClinVar:

NM_001128148.3(TFRC):c.299G>T (p.Arg100Ile)

Gene: TFRC (transferrin receptor; minus strand). Cytogenetic location: 3q29.
Variant type: single nucleotide variant.
Coding change: c.299G>T on transcript NM_001128148.3 (MANE Select); coding-DNA position 299, G replaced by T.
Protein change: p.Arg100Ile; replaces arginine 100 with isoleucine.
Molecular consequence: missense variant. On other transcripts: intron variant (1).
Genome position (GRCh38, 1-based): chr3:196,074,065, C>A on the plus strand (G>T on the coding strand, the complement: TFRC is on the minus strand). VCF-style: chr3-196074065-C-A. GRCh37 (hg19) VCF-style: chr3-195800936-C-A.
Other names: c.56G>T, p.Arg19Ile (NM_001313965.2); c.299G>T, p.Arg100Ile (NM_003234.4); c.-412-1913G>T (NM_001313966.2); short protein forms R100I, R19I.
Identifiers: ClinVar variation 4810428 (VCV004810428.1).

ClinVar aggregate classification (germline): Uncertain significance (1 of 4 stars; one submission).

gnomAD v4.1: 7 of 1,614,042 alleles (0.00043%); highest among the groups gnomAD compares: Non-Finnish European, 0.00059%; no homozygotes.

Submission:

Labcorp Genetics (formerly Invitae), Labcorp
Classification: Uncertain significance. Last evaluated: 2025-03-14. Review status: criteria provided, single submitter. Criteria: Invitae Variant Classification Sherloc (09022015). Collection method: clinical testing. Allele origin: germline.
Comment: This sequence change replaces arginine, which is basic and polar, with isoleucine, which is neutral and non-polar, at codon 100 of the TFRC protein (p.Arg100Ile). This variant is present in population databases (no rsID available, gnomAD 0.0009%). This variant has not been reported in the literature in individuals affected with TFRC-related conditions. Invitae Evidence Modeling of protein sequence and biophysical properties (such as structural, functional, and spatial information, amino acid conservation, physicochemical variation, residue mobility, and thermodynamic stability) indicates that this missense variant is not expected to disrupt TFRC protein function with a negative predictive value of 80%. In summary, the available evidence is currently insufficient to determine the role of this variant in disease. Therefore, it has been classified as a Variant of Uncertain Significance.